The following is an entry in ClinVar:

NM_001388492.1(HTT):c.1462G>C (p.Gly488Arg)

Gene: HTT (huntingtin; plus strand). Cytogenetic location: 4p16.3.
Variant type: single nucleotide variant.
Coding change: c.1462G>C on transcript NM_001388492.1 (MANE Select); coding-DNA position 1462, G replaced by C.
Protein change: p.Gly488Arg; replaces glycine 488 with arginine.
Molecular consequence: missense variant.
Genome position (GRCh38, 1-based): chr4:3,127,323, G>C. VCF-style: chr4-3127323-G-C. GRCh37 (hg19) VCF-style: chr4-3129050-G-C.
Other names: c.1468G>C, p.Gly490Arg (NM_002111.8); short protein forms G490R, G488R.
Identifiers: ClinVar variation 1432043 (VCV001432043.6), dbSNP rs766218489, ClinGen allele CA2823562.

ClinVar aggregate classification (germline): Uncertain significance (1 of 4 stars; one submission).

Allele frequency attached by ClinVar (database versions not stated): gnomAD exomes below 0.00001 and 0.00001; gnomAD 0.00001; TOPMed 0.00001; ExAC 0.00002.
gnomAD v4.1: 4 of 1,614,248 alleles (0.00025%); highest among the groups gnomAD compares: African/African-American, 0.0027%; no homozygotes.

Submission:

Labcorp Genetics (formerly Invitae), Labcorp
Classification: Uncertain significance. Last evaluated: 2021-01-13. Review status: criteria provided, single submitter. Criteria: Invitae Variant Classification Sherloc (09022015). Collection method: clinical testing. Allele origin: germline.
Comment: This sequence change replaces glycine with arginine at codon 490 of the HTT protein (p.Gly490Arg). The glycine residue is moderately conserved and there is a moderate physicochemical difference between glycine and arginine. This variant is present in population databases (rs766218489, ExAC 0.01%). This variant has not been reported in the literature in individuals with HTT-related conditions. Experimental studies and prediction algorithms are not available or were not evaluated, and the functional significance of this variant is currently unknown. In summary, the available evidence is currently insufficient to determine the role of this variant in disease. Therefore, it has been classified as a Variant of Uncertain Significance.